The following is an entry in ClinVar:

NM_001378454.1(ALMS1):c.4743C>G (p.Tyr1581Ter)

Gene: ALMS1 (ALMS1 centrosome and basal body associated protein; plus strand). Cytogenetic location: 2p13.1.
Variant type: single nucleotide variant.
Coding change: c.4743C>G on transcript NM_001378454.1 (MANE Select); coding-DNA position 4743, C replaced by G.
Protein change: p.Tyr1581Ter; replaces tyrosine 1581 with a stop codon.
Molecular consequence: nonsense.
Genome position (GRCh38, 1-based): chr2:73,451,270, C>G. VCF-style: chr2-73451270-C-G. GRCh37 (hg19) VCF-style: chr2-73678397-C-G.
Other names: c.4746C>G, p.Tyr1582Ter (NM_015120.4); short protein forms Y1582*, Y1581*.
Identifiers: ClinVar variation 638587 (VCV000638587.9), dbSNP rs1572935708, ClinGen allele CA347279170.

ClinVar aggregate classification (germline): Pathogenic/Likely pathogenic. Review status: criteria provided, multiple submitters, no conflicts (2 of 4 stars). 3 submissions from 3 submitters: Pathogenic (1); Likely pathogenic (2). Last evaluated 2025-01-07.

Conditions:
ALMS1-related disorder. Also called: ALMS1-related condition.
Alstrom syndrome (ALMS). Identifiers: Orphanet 64, MedGen C0268425, MONDO:0008763, OMIM 203800.

Allele frequency attached by ClinVar (database versions not stated): gnomAD 0.00001.
gnomAD v4.1: 1 of 1,613,902 alleles (0.000062%); highest among the groups gnomAD compares: East Asian, 0.0022%; no homozygotes.

Submissions (3):

Labcorp Genetics (formerly Invitae), Labcorp
Classification: Pathogenic for Alstrom syndrome. Last evaluated: 2025-01-07. Review status: criteria provided, single submitter. Criteria: Invitae Variant Classification Sherloc (09022015). Collection method: clinical testing. Allele origin: germline.
Comment: This sequence change creates a premature translational stop signal (p.Tyr1582*) in the ALMS1 gene. It is expected to result in an absent or disrupted protein product. Loss-of-function variants in ALMS1 are known to be pathogenic (PMID: 17594715). This variant is not present in population databases (gnomAD no frequency). This premature translational stop signal has been observed in individual(s) with clinical features of Alström syndrome (PMID: 31607746). ClinVar contains an entry for this variant (Variation ID: 638587). For these reasons, this variant has been classified as Pathogenic.

Blueprint Genetics
Classification: Likely pathogenic for ALMS1-related disorders. Last evaluated: 2022-10-28. Review status: criteria provided, single submitter. Criteria: ACMG Guidelines, 2015. Collection method: clinical testing. Allele origin: germline. Affected: yes. Observed: 1 variant allele.

Undiagnosed Diseases Network, NIH
Classification: Likely pathogenic for Alstrom syndrome. Last evaluated: 2019-03-05. Review status: criteria provided, single submitter. Criteria: ACMG Guidelines, 2015. Collection method: clinical testing. Allele origin: inherited. Inheritance: Autosomal recessive inheritance. Affected: yes. Observed: 1 variant allele, 1 homozygote. Study: Undiagnosed Diseases Network (NIH), UDN.

Literature cited by the submitters: PubMed 17594715 (cited by Labcorp Genetics (formerly Invitae), Labcorp); PubMed 31607746 (cited by Labcorp Genetics (formerly Invitae), Labcorp).